The following is an entry in ClinVar:

NM_007126.5(VCP):c.1584C>T (p.Ala528=)

Gene: VCP (valosin containing protein; minus strand). Cytogenetic location: 9p13.3.
Variant type: single nucleotide variant.
Coding change: c.1584C>T on transcript NM_007126.5 (MANE Select); coding-DNA position 1584, C replaced by T.
Protein change: p.Ala528=; no amino-acid change (alanine 528 retained).
Molecular consequence: synonymous variant.
Genome position (GRCh38, 1-based): chr9:35,060,424, G>A on the plus strand (C>T on the coding strand, the complement: VCP is on the minus strand). VCF-style: chr9-35060424-G-A. GRCh37 (hg19) VCF-style: chr9-35060421-G-A.
Other names: c.1449C>T, p.Ala483= (NM_001354927.2, NM_001354928.2).
Identifiers: ClinVar variation 283215 (VCV000283215.67), dbSNP rs147623367, ClinGen allele CA5039215.

ClinVar aggregate classification (germline): Conflicting classifications of pathogenicity. Review status: criteria provided, conflicting classifications (1 of 4 stars). 15 submissions from 14 submitters: Uncertain significance (2); Benign (4); Likely benign (4). 5 of the submissions do not count toward it. Last evaluated 2026-02-02.

Conditions:
VCP-related disorder. Also called: VCP-related disorders; VCP-related condition.
Inclusion body myopathy with Paget disease of bone and frontotemporal dementia. Also called: Inclusion body myopathy with early-onset Paget disease and frontotemporal dementia. Identifiers: Orphanet 52430, MedGen C1833662, MONDO:0000507.
Frontotemporal dementia and/or amyotrophic lateral sclerosis 6 (FTDALS6). Also called: VCP-Related Amyotrophic Lateral Sclerosis/Frontotemporal Dementia; VCP-Related Amyotrophic Lateral Sclerosis. Identifiers: Orphanet 275872, Orphanet 803, MedGen C5436279, MONDO:0013501, OMIM 613954.
Inborn genetic diseases. Identifiers: MedGen C0950123, MeSH D030342.
Inclusion body myopathy with Paget disease of bone and frontotemporal dementia type 1. Also called: Inclusion body myopathy with early-onset Paget disease and frontotemporal dementia 1; MULTISYSTEM PROTEINOPATHY 1; Inclusion body myopathy with early-onset Paget disease with or without frontotemporal dementia 1. Identifiers: MedGen C4551951, MONDO:0008178, OMIM 167320.

Allele frequency attached by ClinVar (database versions not stated): 1000 Genomes Project 30x 0.00016; 1000 Genomes Project 0.00020; TOPMed 0.00060; gnomAD exomes 0.00063 and 0.00099; gnomAD 0.00064; ExAC 0.00068; ESP Exome Variant Server 0.00115.
gnomAD v4.1: 1,529 of 1,614,182 alleles (0.095%); highest among the groups gnomAD compares: Non-Finnish European, 0.12%; 1 homozygote.

Submissions (15):

Labcorp Genetics (formerly Invitae), Labcorp
Classification: Benign for Inclusion body myopathy with Paget disease of bone and frontotemporal dementia; Frontotemporal dementia and/or amyotrophic lateral sclerosis 6. Last evaluated: 2026-02-02. Review status: criteria provided, single submitter. Criteria: Invitae Variant Classification Sherloc (09022015). Collection method: clinical testing. Allele origin: germline.

Athena Diagnostics
Classification: Benign. Last evaluated: 2024-12-17. Review status: criteria provided, single submitter. Criteria: Athena Diagnostics Criteria. Collection method: clinical testing. Allele origin: unknown.
Comment: The frequency of this variant in the general population is higher than would generally be expected for pathogenic variants in this gene. Computational tools yielded predictions that this variant is unlikely to have an effect on normal RNA splicing. This nucleotide position exhibits low evolutionary conservation. This variant has been seen where an alternate explanation for disease was also identified.

Blueprint Genetics
Classification: Likely benign. Last evaluated: 2024-09-16. Review status: criteria provided, single submitter. Criteria: ACMG Guidelines, 2015. Collection method: clinical testing. Allele origin: germline.

CeGaT Center for Human Genetics Tuebingen
Classification: Likely benign. Last evaluated: 2023-10-01. Review status: criteria provided, single submitter. Criteria: CeGaT Center For Human Genetics Tuebingen Variant Classification Criteria Version 2. Collection method: clinical testing. Allele origin: germline. Affected: yes. Observed: 4 variant alleles.
Comment: VCP: BP4, BP7, BS1

Ambry Genetics
Classification: Likely benign for Inborn genetic diseases. Last evaluated: 2019-07-11. Review status: criteria provided, single submitter. Criteria: Ambry Variant Classification Scheme 2023. Collection method: clinical testing. Allele origin: germline.

GeneDx
Classification: Benign. Last evaluated: 2019-03-06. Review status: criteria provided, single submitter. Criteria: GeneDx Variant Classification Process June 2021. Collection method: clinical testing. Allele origin: germline. Affected: yes.
Comment: This variant is associated with the following publications: (PMID: 25618255, 22078486)

Baylor Genetics
Classification: Uncertain significance for Frontotemporal dementia and/or amyotrophic lateral sclerosis 6. Last evaluated: 2018-04-02. Review status: criteria provided, single submitter. Criteria: ACMG Guidelines, 2015. Collection method: clinical testing. Allele origin: unknown. Affected: yes.
Comment: This variant was determined to be of uncertain significance according to ACMG Guidelines, 2015 [PMID:25741868].

Illumina Laboratory Services, Illumina
Classification: Likely benign for Frontotemporal dementia and/or amyotrophic lateral sclerosis 6. Last evaluated: 2018-01-13. Review status: criteria provided, single submitter. Criteria: ICSL Variant Classification Criteria 13 December 2019. Collection method: clinical testing. Allele origin: germline.
Comment: This variant was observed in the ICSL laboratory as part of a predisposition screen in an ostensibly healthy population. It had not been previously curated by ICSL or reported in the Human Gene Mutation Database (HGMD: prior to June 1st, 2018), and was therefore a candidate for classification through an automated scoring system. Utilizing variant allele frequency, disease prevalence and penetrance estimates, and inheritance mode, an automated score was calculated to assess if this variant is too frequent to cause the disease. Based on the score and internal cut-off values, a variant classified as likely benign is not then subjected to further curation. The score for this variant resulted in a classification of likely benign for this disease.

Illumina Laboratory Services, Illumina
Classification: Benign for Inclusion body myopathy with Paget disease of bone and frontotemporal dementia type 1. Last evaluated: 2018-01-13. Review status: criteria provided, single submitter. Criteria: ICSL Variant Classification Criteria 13 December 2019. Collection method: clinical testing. Allele origin: germline.
Comment: This variant was observed in the ICSL laboratory as part of a predisposition screen in an ostensibly healthy population. It had not been previously curated by ICSL or reported in the Human Gene Mutation Database (HGMD: prior to June 1st, 2018), and was therefore a candidate for classification through an automated scoring system. Utilizing variant allele frequency, disease prevalence and penetrance estimates, and inheritance mode, an automated score was calculated to assess if this variant is too frequent to cause the disease. Based on the score and internal cut-off values, a variant classified as benign is not then subjected to further curation. The score for this variant resulted in a classification of benign for this disease.

Eurofins Ntd Llc (ga)
Classification: Uncertain significance. Last evaluated: 2017-09-30. Review status: criteria provided, single submitter. Criteria: EGL Classification Definitions 2015. Collection method: clinical testing. Allele origin: germline. Observed: 4 variant alleles, 4 heterozygotes.

PreventionGenetics, part of Exact Sciences
Classification: Likely benign for VCP-related condition. Last evaluated: 2019-07-03. Review status: no assertion criteria provided. Collection method: clinical testing. Allele origin: germline. Not counted in ClinVar's aggregate classification.
Comment: This variant is classified as likely benign based on ACMG/AMP sequence variant interpretation guidelines (Richards et al. 2015 PMID: 25741868, with internal and published modifications).

Clinical Genetics DNA and cytogenetics Diagnostics Lab, Erasmus MC, Erasmus Medical Center
Classification: Likely benign. Review status: no assertion criteria provided. Collection method: clinical testing. Allele origin: germline. Affected: yes. Study: VKGL Data-share Consensus. Not counted in ClinVar's aggregate classification.

Clinical Genetics, Academic Medical Center
Classification: Benign. Review status: no assertion criteria provided. Collection method: clinical testing. Allele origin: germline. Affected: yes. Study: VKGL Data-share Consensus. Not counted in ClinVar's aggregate classification.

Genome Diagnostics Laboratory, Amsterdam University Medical Center
Classification: Benign. Review status: no assertion criteria provided. Collection method: clinical testing. Allele origin: germline. Affected: yes. Study: VKGL Data-share Consensus. Not counted in ClinVar's aggregate classification.

Genome Diagnostics Laboratory, University Medical Center Utrecht
Classification: Benign. Review status: no assertion criteria provided. Collection method: clinical testing. Allele origin: germline. Affected: yes. Study: VKGL Data-share Consensus. Not counted in ClinVar's aggregate classification.

Literature cited by the submitters: PubMed 22078486 (cited by Athena Diagnostics); PubMed 25618255 (cited by Athena Diagnostics).